The following is an entry in ClinVar:

NM_017563.5(IL17RD):c.769A>G (p.Ser257Gly)

Gene: IL17RD (interleukin 17 receptor D; minus strand). Cytogenetic location: 3p14.3.
Variant type: single nucleotide variant.
Coding change: c.769A>G on transcript NM_017563.5 (MANE Select); coding-DNA position 769, A replaced by G.
Protein change: p.Ser257Gly; replaces serine 257 with glycine.
Molecular consequence: missense variant.
Genome position (GRCh38, 1-based): chr3:57,104,386, T>C on the plus strand (A>G on the coding strand, the complement: IL17RD is on the minus strand). VCF-style: chr3-57104386-T-C. GRCh37 (hg19) VCF-style: chr3-57138414-T-C.
Other names: c.337A>G, p.Ser113Gly (NM_001318864.2); short protein forms S113G, S257G.
Identifiers: ClinVar variation 3356960 (VCV003356960.1).
Genomic context (GRCh38, chr3:57,104,386, plus strand): 5'-CTTGTGTTATGCATACCTCAATTATATAATCCCCTGGAGAAACATTTTGAAGGAGGCAGC[T>C]GGTCGTCTCTGTAGTTTGCTCCTGCAACAGACCAAAGAACACTTTAAAAACTCACTTCTT-3'
Protein context (NP_060033.3, residues 247-267): CKQEQTTETT[Ser257Gly]CLLQNVSPGD

ClinVar aggregate classification (germline): Uncertain significance (0 of 4 stars; one submission).

Conditions:
IL17RD-related disorder. Also called: IL17RD-related condition.

Submission:

PreventionGenetics, part of Exact Sciences
Classification: Uncertain significance for IL17RD-related condition. Last evaluated: 2024-05-28. Review status: no assertion criteria provided. Collection method: clinical testing. Allele origin: germline.
Comment: The IL17RD c.769A>G variant is predicted to result in the amino acid substitution p.Ser257Gly. To our knowledge, this variant has not been reported in the literature or in a large population database, indicating this variant is rare. At this time, the clinical significance of this variant is uncertain due to the absence of conclusive functional and genetic evidence.